The following is an entry in ClinVar:

ClinVar aggregate classification (germline): Uncertain significance (1 of 4 stars; one submission).

Conditions:
Cardiovascular phenotype. Identifiers: MedGen CN230736.

Submission:

Ambry Genetics
Classification: Uncertain significance for Cardiovascular phenotype. Last evaluated: 2026-03-12. Review status: criteria provided, single submitter. Criteria: Ambry Variant Classification Scheme 2023. Collection method: clinical testing. Allele origin: germline.
Comment: The p.T242M variant (also known as c.725C>T), located in coding exon 2 of the SHOC2 gene, results from a C to T substitution at nucleotide position 725. The threonine at codon 242 is replaced by methionine, an amino acid with similar properties. This amino acid position is conserved. In addition, this alteration is predicted to be tolerated by in silico analysis. Based on the available evidence, the clinical significance of this variant remains unclear.

NM_007373.4(SHOC2):c.725C>T (p.Thr242Met)

Gene: SHOC2 (SHOC2 leucine rich repeat scaffold protein; plus strand). Cytogenetic location: 10q25.2.
Variant type: single nucleotide variant.
Coding change: c.725C>T on transcript NM_007373.4 (MANE Select); coding-DNA position 725, C replaced by T.
Protein change: p.Thr242Met; replaces threonine 242 with methionine.
Molecular consequence: missense variant. On other transcripts: 5 prime UTR variant (2), non-coding transcript variant (1), intron variant (3).
Genome position (GRCh38, 1-based): chr10:110,985,649, C>T. VCF-style: chr10-110985649-C-T. GRCh37 (hg19) VCF-style: chr10-112745407-C-T.
Other names: c.725C>T, p.Thr242Met (NM_001324336.2, NM_001324337.2, NM_001441184.1 and 2 more transcripts); c.56C>T, p.Thr19Met (NM_001441188.1); c.-359C>T (NM_001441190.1); c.-228C>T (NM_001441191.1); c.704-14766C>T (NM_001441186.1, NM_001269039.3); c.-242-14766C>T (NM_001441189.1); short protein forms T19M, T242M.
Identifiers: ClinVar variation 4164857 (VCV004164857.2).